The following is an entry in ClinVar:

ClinVar aggregate classification (germline): Likely benign. Review status: criteria provided, multiple submitters, no conflicts (2 of 4 stars). 2 submissions from 2 submitters: Likely benign (2). Last evaluated 2026-02-17.

Conditions:
TTN-related disorder. Also called: TTN-related disorders; TTN-related condition; TTN-related disease.
Autosomal recessive limb-girdle muscular dystrophy type 2J (LGMDR10). Also called: MUSCULAR DYSTROPHY, LIMB-GIRDLE, AUTOSOMAL RECESSIVE 10; Limb-girdle muscular dystrophy, type 2J. Identifiers: Orphanet 140922, MedGen C1837342, MONDO:0012127, OMIM 608807.
Dilated cardiomyopathy 1G (CMD1G). Identifiers: Orphanet 154, MedGen C1858763, MONDO:0011400, OMIM 604145.

Allele frequency attached by ClinVar (database versions not stated): TOPMed below 0.00001; gnomAD exomes 0.00001 and 0.00002; ESP Exome Variant Server 0.00008.
gnomAD v4.1: 26 of 1,612,338 alleles (0.0016%); highest among the groups gnomAD compares: Non-Finnish European, 0.0021%; no homozygotes.

Submissions (2):

PreventionGenetics, part of Exact Sciences
Classification: Likely benign for TTN-related condition. Last evaluated: 2026-02-17. Review status: criteria provided, single submitter. Criteria: ACMG Guidelines, 2015. Collection method: clinical testing. Allele origin: germline.
Comment: This variant is classified as likely benign based on ACMG/AMP sequence variant interpretation guidelines (Richards et al. 2015 PMID: 25741868, with internal and published modifications).

Labcorp Genetics (formerly Invitae), Labcorp
Classification: Likely benign for Dilated cardiomyopathy 1G; Autosomal recessive limb-girdle muscular dystrophy type 2J. Last evaluated: 2025-05-07. Review status: criteria provided, single submitter. Criteria: Invitae Variant Classification Sherloc (09022015). Collection method: clinical testing. Allele origin: germline.

NM_001267550.2(TTN):c.64673-4G>A

Genes: TTN (titin; minus strand), TTN-AS1 (TTN antisense RNA 1; plus strand). Cytogenetic location: 2q31.2.
Variant type: single nucleotide variant.
Coding change: c.64673-4G>A on transcript NM_001267550.2 (MANE Select); 4 bases into the intron before coding-DNA position 64673, G replaced by A.
Molecular consequence: intron variant. On other transcripts: non-coding transcript variant (1).
Genome position (GRCh38, 1-based): chr2:178,584,972, C>T on the plus strand (G>A on the coding strand, the complement: TTN is on the minus strand). VCF-style: chr2-178584972-C-T. GRCh37 (hg19) VCF-style: chr2-179449699-C-T.
Other names: c.37478-4G>A (NM_003319.4); c.38054-4G>A (NM_133437.4); c.37853-4G>A (NM_133432.3); c.56969-4G>A (NM_133378.4); c.59750-4G>A (NM_001256850.1).
Identifiers: ClinVar variation 1625911 (VCV001625911.9), dbSNP rs374608122, ClinGen allele CA60962351.